The following is an entry in ClinVar:

NM_031935.3(HMCN1):c.12347G>T (p.Gly4116Val)

Gene: HMCN1 (hemicentin 1; plus strand). Cytogenetic location: 1q31.1.
Variant type: single nucleotide variant.
Coding change: c.12347G>T on transcript NM_031935.3 (MANE Select); coding-DNA position 12347, G replaced by T.
Protein change: p.Gly4116Val; replaces glycine 4116 with valine.
Molecular consequence: missense variant.
Genome position (GRCh38, 1-based): chr1:186,123,068, G>T. VCF-style: chr1-186123068-G-T. GRCh37 (hg19) VCF-style: chr1-186092200-G-T.
Other names: short protein forms G4116V.
Identifiers: ClinVar variation 1996061 (VCV001996061.4), dbSNP rs2528039387, ClinGen allele CA343903084.

ClinVar aggregate classification (germline): Uncertain significance (1 of 4 stars; one submission).

Submission:

Labcorp Genetics (formerly Invitae), Labcorp
Classification: Uncertain significance. Last evaluated: 2025-04-17. Review status: criteria provided, single submitter. Criteria: Invitae Variant Classification Sherloc (09022015). Collection method: clinical testing. Allele origin: germline.
Comment: This sequence change replaces glycine, which is neutral and non-polar, with valine, which is neutral and non-polar, at codon 4116 of the HMCN1 protein (p.Gly4116Val). This variant is not present in population databases (gnomAD no frequency). This variant has not been reported in the literature in individuals affected with HMCN1-related conditions. ClinVar contains an entry for this variant (Variation ID: 1996061). An algorithm developed to predict the effect of missense changes on protein structure and function (PolyPhen-2) suggests that this variant is likely to be disruptive. In summary, the available evidence is currently insufficient to determine the role of this variant in disease. Therefore, it has been classified as a Variant of Uncertain Significance.